The following is an entry in ClinVar:

NM_007194.4(CHEK2):c.1075G>A (p.Glu359Lys)

Gene: CHEK2 (checkpoint kinase 2; minus strand). Cytogenetic location: 22q12.1.
Variant type: single nucleotide variant.
Coding change: c.1075G>A on transcript NM_007194.4 (MANE Select); coding-DNA position 1075, G replaced by A.
Protein change: p.Glu359Lys; replaces glutamic acid 359 with lysine.
Molecular consequence: missense variant. On other transcripts: intron variant (3).
Genome position (GRCh38, 1-based): chr22:28,696,921, C>T on the plus strand (G>A on the coding strand, the complement: CHEK2 is on the minus strand). VCF-style: chr22-28696921-C-T. GRCh37 (hg19) VCF-style: chr22-29092909-C-T.
Other names: c.1204G>A, p.Glu402Lys (NM_001005735.3); c.412G>A, p.Glu138Lys (NM_001257387.3, NM_001437942.1); c.874G>A, p.Glu292Lys (NM_001349956.3); c.1168G>A, p.Glu390Lys (NM_001438293.1); c.1009-1048G>A (NM_145862.3); c.1102-1048G>A (NM_001438295.1); c.1138-1048G>A (NM_001438294.1); short protein forms E359K, E138K, E292K, E402K, E390K.
Identifiers: ClinVar variation 2566534 (VCV002566534.5), dbSNP rs2052607303, ClinGen allele CA411097548.

ClinVar aggregate classification (germline): Conflicting classifications of pathogenicity. Review status: criteria provided, conflicting classifications (1 of 4 stars). 2 submissions from 2 submitters: Uncertain significance (1); Likely benign (1). Last evaluated 2023-10-28.

Conditions:
Hereditary cancer-predisposing syndrome. Also called: Neoplastic Syndromes, Hereditary; Hereditary Cancer Syndrome; Hereditary neoplastic syndrome; Tumor predisposition. Identifiers: Orphanet 140162, MedGen C0027672, MeSH D009386, MONDO:0015356.
Familial cancer of breast. Also called: Hereditary breast cancer; hereditary breast carcinoma; BREAST CANCER, FAMILIAL. Identifiers: Orphanet 227535, MedGen C0346153, MONDO:0016419, OMIM 114480. Disease mechanism: loss of function.

Submissions (2):

Labcorp Genetics (formerly Invitae), Labcorp
Classification: Uncertain significance for Familial cancer of breast. Last evaluated: 2023-10-28. Review status: criteria provided, single submitter. Criteria: Invitae Variant Classification Sherloc (09022015). Collection method: clinical testing. Allele origin: germline.
Comment: This sequence change replaces glutamic acid, which is acidic and polar, with lysine, which is basic and polar, at codon 359 of the CHEK2 protein (p.Glu359Lys). This variant is not present in population databases (gnomAD no frequency). This variant has not been reported in the literature in individuals affected with CHEK2-related conditions. ClinVar contains an entry for this variant (Variation ID: 2566534). Algorithms developed to predict the effect of missense changes on protein structure and function output the following: SIFT: "Not Available"; PolyPhen-2: "Benign"; Align-GVGD: "Not Available". The lysine amino acid residue is found in multiple mammalian species, which suggests that this missense change does not adversely affect protein function. Algorithms developed to predict the effect of sequence changes on RNA splicing suggest that this variant may disrupt the consensus splice site. In summary, the available evidence is currently insufficient to determine the role of this variant in disease. Therefore, it has been classified as a Variant of Uncertain Significance.

Ambry Genetics
Classification: Likely benign for Hereditary cancer-predisposing syndrome. Last evaluated: 2023-04-01. Review status: criteria provided, single submitter. Criteria: Ambry Variant Classification Scheme 2023. Collection method: clinical testing. Allele origin: germline.